The following is an entry in ClinVar:

ClinVar aggregate classification (germline): Uncertain significance. Review status: criteria provided, multiple submitters, no conflicts (2 of 4 stars). 2 submissions from 2 submitters: Uncertain significance (2). Last evaluated 2025-01-21.

Conditions:
Familial melanoma. Also called: Hereditary melanoma; Hereditary cutaneous melanoma. Identifiers: Orphanet 618, MedGen C1512419, MONDO:0018961.
Hereditary cancer-predisposing syndrome. Also called: Neoplastic Syndromes, Hereditary; Tumor predisposition; Hereditary Cancer Syndrome; Hereditary neoplastic syndrome. Identifiers: Orphanet 140162, MedGen C0027672, MeSH D009386, MONDO:0015356.

Submissions (2):

Ambry Genetics
Classification: Uncertain significance for Hereditary cancer-predisposing syndrome. Last evaluated: 2025-01-21. Review status: criteria provided, single submitter. Criteria: Ambry Variant Classification Scheme 2023. Collection method: clinical testing. Allele origin: germline.
Comment: The c.192A>G variant (also known as p.P64P), located in coding exon 1 of the CDKN2A (p14ARF) gene, results from an A to G substitution at nucleotide position 192. This nucleotide substitution does not change the amino acid at codon 64. This nucleotide position is highly conserved in available vertebrate species. In silico splice site analysis predicts that this alteration will not have any significant effect on splicing; however, direct evidence is insufficient at this time (Ambry internal data). Based on the available evidence, the clinical significance of this variant remains unclear.

Labcorp Genetics (formerly Invitae), Labcorp
Classification: Uncertain significance for Familial melanoma. Last evaluated: 2021-08-12. Review status: criteria provided, single submitter. Criteria: Invitae Variant Classification Sherloc (09022015). Collection method: clinical testing. Allele origin: germline.

NM_058195.4(CDKN2A):c.192A>G (p.Pro64=)

Gene: CDKN2A (cyclin dependent kinase inhibitor 2A; minus strand). Cytogenetic location: 9p21.3.
Variant type: single nucleotide variant.
Coding change: c.192A>G on transcript NM_058195.4 (MANE Plus Clinical); coding-DNA position 192, A replaced by G.
Protein change: p.Pro64=; no amino-acid change (proline 64 retained).
Molecular consequence: synonymous variant. On other transcripts: intron variant (1).
Genome position (GRCh38, 1-based): chr9:21,994,140, T>C on the plus strand (A>G on the coding strand, the complement: CDKN2A is on the minus strand). VCF-style: chr9-21994140-T-C. GRCh37 (hg19) VCF-style: chr9-21994139-T-C.
Other names: c.-4+681A>G (NM_001363763.2).
Identifiers: ClinVar variation 1525633 (VCV001525633.7), dbSNP rs1554659172, ClinGen allele CA464100248.